The following is an entry in ClinVar:

ClinVar aggregate classification (germline): Uncertain significance. Review status: criteria provided, multiple submitters, no conflicts (2 of 4 stars). 2 submissions from 2 submitters: Uncertain significance (2). Last evaluated 2022-07-21.

Allele frequency attached by ClinVar (database versions not stated): TOPMed 0.00001.
gnomAD v4.1: 4 of 1,577,566 alleles (0.00025%); highest among the groups gnomAD compares: African/African-American, 0.0054%; no homozygotes.

Submissions (2):

Mayo Clinic Laboratories, Mayo Clinic
Classification: Uncertain significance. Last evaluated: 2022-07-21. Review status: criteria provided, single submitter. Criteria: ACMG Guidelines, 2015. Collection method: clinical testing. Allele origin: germline. Observed: 1 variant allele.
Comment: BP4, PM2

Labcorp Genetics (formerly Invitae), Labcorp
Classification: Uncertain significance. Last evaluated: 2022-07-12. Review status: criteria provided, single submitter. Criteria: Invitae Variant Classification Sherloc (09022015). Collection method: clinical testing. Allele origin: germline.
Comment: This sequence change replaces tryptophan, which is neutral and slightly polar, with arginine, which is basic and polar, at codon 23 of the GFM1 protein (p.Trp23Arg). This variant is present in population databases (no rsID available, gnomAD 0.01%). This variant has not been reported in the literature in individuals affected with GFM1-related conditions. ClinVar contains an entry for this variant (Variation ID: 1409305). Advanced modeling of protein sequence and biophysical properties (such as structural, functional, and spatial information, amino acid conservation, physicochemical variation, residue mobility, and thermodynamic stability) performed at Invitae indicates that this missense variant is not expected to disrupt GFM1 protein function. Algorithms developed to predict the effect of sequence changes on RNA splicing suggest that this variant may create or strengthen a splice site. In summary, the available evidence is currently insufficient to determine the role of this variant in disease. Therefore, it has been classified as a Variant of Uncertain Significance.

NM_024996.7(GFM1):c.67T>A (p.Trp23Arg)

Gene: GFM1 (G elongation factor mitochondrial 1; plus strand). Cytogenetic location: 3q25.32.
Variant type: single nucleotide variant.
Coding change: c.67T>A on transcript NM_024996.7 (MANE Select); coding-DNA position 67, T replaced by A.
Protein change: p.Trp23Arg; replaces tryptophan 23 with arginine.
Molecular consequence: missense variant. On other transcripts: 5 prime UTR variant (4), non-coding transcript variant (4).
Genome position (GRCh38, 1-based): chr3:158,644,701, T>A. VCF-style: chr3-158644701-T-A. GRCh37 (hg19) VCF-style: chr3-158362490-T-A.
Other names: p.Trp23Arg; c.67T>A, p.Trp23Arg (NM_001308164.2, NM_001308166.2, NM_001374355.1 and 2 more transcripts); c.-325T>A (NM_001374357.1); c.-163T>A (NM_001374359.1, NM_001374360.1, NM_001374361.1); c.67T>A (NM_024996.5); short protein forms W23R.
Identifiers: ClinVar variation 1409305 (VCV001409305.4), dbSNP rs1055907573, ClinGen allele CA86494963.